The following is an entry in ClinVar:

ClinVar aggregate classification (germline): Uncertain significance. Review status: criteria provided, multiple submitters, no conflicts (2 of 4 stars). 2 submissions from 2 submitters: Uncertain significance (2). Last evaluated 2024-11-26.

Conditions:
Inborn genetic diseases. Identifiers: MedGen C0950123, MeSH D030342.
Nemaline myopathy 2 (NEM2). Also called: Nemaline myopathy 2, autosomal recessive. Identifiers: MedGen C1850569, MONDO:0009725, OMIM 256030.

Allele frequency attached by ClinVar (database versions not stated): gnomAD exomes 0.00001; ExAC 0.00002.
gnomAD v4.1: 5 of 1,613,828 alleles (0.00031%); highest among the groups gnomAD compares: Admixed American, 0.0083%; no homozygotes.

Submissions (2):

Ambry Genetics
Classification: Uncertain significance for Inborn genetic diseases. Last evaluated: 2024-11-26. Review status: criteria provided, single submitter. Criteria: Ambry Variant Classification Scheme 2023. Collection method: clinical testing. Allele origin: germline.

Labcorp Genetics (formerly Invitae), Labcorp
Classification: Uncertain significance for Nemaline myopathy 2. Last evaluated: 2022-03-23. Review status: criteria provided, single submitter. Criteria: Invitae Variant Classification Sherloc (09022015). Collection method: clinical testing. Allele origin: germline.
Comment: This sequence change replaces tyrosine, which is neutral and polar, with histidine, which is basic and polar, at codon 848 of the NEB protein (p.Tyr848His). This variant is present in population databases (rs774798098, gnomAD 0.01%). This variant has not been reported in the literature in individuals affected with NEB-related conditions. Algorithms developed to predict the effect of missense changes on protein structure and function are either unavailable or do not agree on the potential impact of this missense change (SIFT: "Deleterious"; PolyPhen-2: "Not Available"; Align-GVGD: "Class C0"). In summary, the available evidence is currently insufficient to determine the role of this variant in disease. Therefore, it has been classified as a Variant of Uncertain Significance.

NM_001164508.2(NEB):c.2542T>C (p.Tyr848His)

Gene: NEB (nebulin; minus strand). Cytogenetic location: 2q23.3.
Variant type: single nucleotide variant.
Coding change: c.2542T>C on transcript NM_001164508.2 (MANE Select); coding-DNA position 2542, T replaced by C.
Protein change: p.Tyr848His; replaces tyrosine 848 with histidine.
Molecular consequence: missense variant.
Genome position (GRCh38, 1-based): chr2:151,687,514, A>G on the plus strand (T>C on the coding strand, the complement: NEB is on the minus strand). VCF-style: chr2-151687514-A-G. GRCh37 (hg19) VCF-style: chr2-152544028-A-G.
Other names: c.2542T>C, p.Tyr848His (NM_001164507.2, NM_001271208.2, NM_004543.5); c.2542T>C (NM_004543.4); short protein forms Y848H.
Identifiers: ClinVar variation 1929866 (VCV001929866.3), dbSNP rs774798098, ClinGen allele CA1911189.